The following is an entry in ClinVar:

ClinVar aggregate classification (germline): Pathogenic/Likely pathogenic. Review status: criteria provided, multiple submitters, no conflicts (2 of 4 stars). 2 submissions from 2 submitters: Pathogenic (1); Likely pathogenic (1). Last evaluated 2023-01-02.

Conditions:
Amyotrophic lateral sclerosis type 2, juvenile. Also called: ALS, JUVENILE; Amyotrophic lateral sclerosis type 2. Identifiers: Orphanet 300605, MedGen C1859807, MONDO:0008780, OMIM 205100.

Allele frequency attached by ClinVar (database versions not stated): gnomAD 0.00001; gnomAD exomes 0.00001.
gnomAD v4.1: 5 of 1,613,384 alleles (0.00031%); highest among the groups gnomAD compares: Non-Finnish European, 0.00042%; no homozygotes.

Submissions (2):

Institute of Human Genetics, University of Leipzig Medical Center
Classification: Pathogenic for Amyotrophic lateral sclerosis type 2, juvenile. Last evaluated: 2023-01-02. Review status: criteria provided, single submitter. Criteria: ACMG Guidelines, 2015. Collection method: clinical testing. Allele origin: unknown. Affected: yes.
Comment: This variant was identified as homozygous._x000D_ Criteria applied: PVS1, PM2_SUP, PM3_SUP

Institute of Medical Genetics and Applied Genomics, University Hospital Tübingen
Classification: Likely pathogenic. Last evaluated: 2021-06-17. Review status: criteria provided, single submitter. Criteria: ACMG Guidelines, 2015. Collection method: clinical testing. Allele origin: germline. Inheritance: Autosomal recessive inheritance. Affected: yes.

NM_020919.4(ALS2):c.4626+1G>A

Gene: ALS2 (alsin Rho guanine nucleotide exchange factor ALS2; minus strand). Cytogenetic location: 2q33.1.
Variant type: single nucleotide variant.
Coding change: c.4626+1G>A on transcript NM_020919.4 (MANE Select); the canonical splice donor site of the intron after coding-DNA position 4626, G replaced by A.
Molecular consequence: splice donor variant.
Genome position (GRCh38, 1-based): chr2:201,705,415, C>T on the plus strand (G>A on the coding strand, the complement: ALS2 is on the minus strand). VCF-style: chr2-201705415-C-T. GRCh37 (hg19) VCF-style: chr2-202570138-C-T.
Other names: c.4623+1G>A (NM_001410975.1).
Identifiers: ClinVar variation 1184930 (VCV001184930.3), dbSNP rs1234882220, ClinGen allele CA350321784.